The following is an entry in ClinVar:

ClinVar aggregate classification (germline): Uncertain significance (1 of 4 stars; one submission).

Allele frequency attached by ClinVar (database versions not stated): gnomAD exomes 0.00002; TOPMed 0.00007; gnomAD 0.00009; ExAC 0.00013; 1000 Genomes Project 30x 0.00031; 1000 Genomes Project 0.00040.
gnomAD v4.1: 52 of 1,613,956 alleles (0.0032%); highest among the groups gnomAD compares: East Asian, 0.1%; no homozygotes.

Submission:

Labcorp Genetics (formerly Invitae), Labcorp
Classification: Uncertain significance. Last evaluated: 2022-04-11. Review status: criteria provided, single submitter. Criteria: Invitae Variant Classification Sherloc (09022015). Collection method: clinical testing. Allele origin: germline.
Comment: This sequence change replaces tryptophan, which is neutral and slightly polar, with cysteine, which is neutral and slightly polar, at codon 7 of the C8B protein (p.Trp7Cys). This variant is present in population databases (rs187897102, gnomAD 0.2%). This variant has not been reported in the literature in individuals affected with C8B-related conditions. Algorithms developed to predict the effect of missense changes on protein structure and function (SIFT, PolyPhen-2, Align-GVGD) all suggest that this variant is likely to be tolerated. In summary, the available evidence is currently insufficient to determine the role of this variant in disease. Therefore, it has been classified as a Variant of Uncertain Significance.

NM_000066.4(C8B):c.21G>T (p.Trp7Cys)

Gene: C8B (complement C8 beta chain; minus strand). Cytogenetic location: 1p32.2.
Variant type: single nucleotide variant.
Coding change: c.21G>T on transcript NM_000066.4 (MANE Select); coding-DNA position 21, G replaced by T.
Protein change: p.Trp7Cys; replaces tryptophan 7 with cysteine.
Molecular consequence: missense variant. On other transcripts: 5 prime UTR variant (2).
Genome position (GRCh38, 1-based): chr1:56,965,928, C>A on the plus strand (G>T on the coding strand, the complement: C8B is on the minus strand). VCF-style: chr1-56965928-C-A. GRCh37 (hg19) VCF-style: chr1-57431601-C-A.
Other names: c.-358G>T (NM_001278543.2); c.-295G>T (NM_001278544.2); short protein forms W7C.
Identifiers: ClinVar variation 1982848 (VCV001982848.2), dbSNP rs187897102, ClinGen allele CA876140.